The following is an entry in ClinVar:

ClinVar aggregate classification (germline): Uncertain significance (1 of 4 stars; one submission).

Conditions:
Hereditary cancer-predisposing syndrome. Also called: Neoplastic Syndromes, Hereditary; Tumor predisposition; Hereditary Cancer Syndrome; Hereditary neoplastic syndrome. Identifiers: Orphanet 140162, MedGen C0027672, MeSH D009386, MONDO:0015356.

Allele frequency attached by ClinVar (database versions not stated): gnomAD exomes below 0.00001.
gnomAD v4.1: 1 of 1,612,988 alleles (0.000062%); highest among the groups gnomAD compares: Non-Finnish European, 0.000085%; no homozygotes.

Submission:

Ambry Genetics
Classification: Uncertain significance for Hereditary cancer-predisposing syndrome. Last evaluated: 2025-11-18. Review status: criteria provided, single submitter. Criteria: Ambry Variant Classification Scheme 2023. Collection method: clinical testing. Allele origin: germline.
Comment: The p.Q1049R variant (also known as c.3146A>G), located in coding exon 20 of the RAD50 gene, results from an A to G substitution at nucleotide position 3146. The glutamine at codon 1049 is replaced by arginine, an amino acid with highly similar properties. This amino acid position is well conserved in available vertebrate species. In addition, this alteration is predicted to be tolerated by in silico analysis. Since supporting evidence is limited at this time, the clinical significance of this alteration remains unclear.

NM_005732.4(RAD50):c.3146A>G (p.Gln1049Arg)

Gene: RAD50 (RAD50 double strand break repair protein; plus strand). Cytogenetic location: 5q31.1.
Variant type: single nucleotide variant.
Coding change: c.3146A>G on transcript NM_005732.4 (MANE Select); coding-DNA position 3146, A replaced by G.
Protein change: p.Gln1049Arg; replaces glutamine 1049 with arginine.
Molecular consequence: missense variant.
Genome position (GRCh38, 1-based): chr5:132,616,112, A>G. VCF-style: chr5-132616112-A-G. GRCh37 (hg19) VCF-style: chr5-131951804-A-G.
Other names: short protein forms Q1049R.
Identifiers: ClinVar variation 142191 (VCV000142191.7), dbSNP rs587782295, ClinGen allele CA167721.
Genomic context (GRCh38, chr5:132,616,112, plus strand): 5'-AGGAACTAAAAGAAGTTGAAGAAGAAAGAAAACAACATTTGAAGGAAATGGGTCAAATGC[A>G]GGTTTTGCAAATGAAAAGGTATGCTTTTAAAATAATCTTCAGTTTAAATAAACGTCTTTA-3'
Protein context (NP_005723.2, residues 1039-1059): KQHLKEMGQM[Gln1049Arg]VLQMKSEHQK